The following is an entry in ClinVar:

ClinVar aggregate classification (germline): Uncertain significance. Review status: criteria provided, multiple submitters, no conflicts (2 of 4 stars). 2 submissions from 2 submitters: Uncertain significance (2). Last evaluated 2025-10-21.

Conditions:
Hyperkalemic periodic paralysis. Also called: Familial hyperkalemic periodic paralysis; Gamstorp disease. Identifiers: Orphanet 682, MedGen C0238357, MONDO:0008224, OMIM 170500, HP:0007215.
Congenital myopathy 22A, classic (CMYO22A). Identifiers: MedGen C5830453, MONDO:0957247, OMIM 620351.
Potassium-aggravated myotonia. Also called: MYOTONIA CONGENITA, ACETAZOLAMIDE-RESPONSIVE; MYOTONIA CONGENITA, ATYPICAL; SODIUM CHANNEL MUSCLE DISEASE; Myotonia congenita, atypical, acetazolamide-responsive. Identifiers: Orphanet 612, Orphanet 99734, Orphanet 99735, Orphanet 99736, MedGen C2931826, MONDO:0018959, OMIM 608390.
Hypokalemic periodic paralysis, type 2 (HOKPP2). Identifiers: Orphanet 681, MedGen C2750061, MONDO:0013234, OMIM 613345.
Congenital myopathy 22B, severe fetal (CMYO22B). Identifiers: MedGen C5830501, MONDO:0957265, OMIM 620369.
Congenital myasthenic syndrome 16. Identifiers: Orphanet 590, MedGen C3280112, MONDO:0013620, OMIM 614198.
Paramyotonia congenita of Von Eulenburg. Also called: PARALYSIS PERIODICA PARAMYOTONICA; Eulenburg disease; Myotonia congenita intermittens; Von Eulenburg paramyotonia congenita; Paramyotonia Congenita. Identifiers: Orphanet 684, MedGen C0221055, MONDO:0008195, OMIM 168300. Disease mechanism: loss of function.

Allele frequency attached by ClinVar (database versions not stated): ExAC 0.00003; gnomAD exomes 0.00001; TOPMed 0.00001.
gnomAD v4.1: 25 of 1,613,176 alleles (0.0015%); highest among the groups gnomAD compares: South Asian, 0.018%; no homozygotes.

Submissions (2):

Labcorp Genetics (formerly Invitae), Labcorp
Classification: Uncertain significance for Hyperkalemic periodic paralysis. Last evaluated: 2025-10-21. Review status: criteria provided, single submitter. Criteria: Invitae Variant Classification Sherloc (09022015). Collection method: clinical testing. Allele origin: germline.
Comment: This sequence change replaces lysine, which is basic and polar, with arginine, which is basic and polar, at codon 1329 of the SCN4A protein (p.Lys1329Arg). This variant is present in population databases (rs754942929, gnomAD 0.02%). This variant has not been reported in the literature in individuals affected with SCN4A-related conditions. ClinVar contains an entry for this variant (Variation ID: 2055290). Invitae Evidence Modeling of protein sequence and biophysical properties (such as structural, functional, and spatial information, amino acid conservation, physicochemical variation, residue mobility, and thermodynamic stability) has been performed for this missense variant. However, the output from this modeling did not meet the statistical confidence thresholds required to predict the impact of this variant on SCN4A protein function. In summary, the available evidence is currently insufficient to determine the role of this variant in disease. Therefore, it has been classified as a Variant of Uncertain Significance.

Fulgent Genetics
Classification: Uncertain significance for Paramyotonia congenita of Von Eulenburg; Hyperkalemic periodic paralysis; Potassium-aggravated myotonia; Hypokalemic periodic paralysis, type 2; Congenital myasthenic syndrome 16; Congenital myopathy 22A, classic; Congenital myopathy 22B, severe fetal. Last evaluated: 2024-01-24. Review status: criteria provided, single submitter. Criteria: ACMG Guidelines, 2015. Collection method: clinical testing. Allele origin: germline.

NM_000334.4(SCN4A):c.3986A>G (p.Lys1329Arg)

Genes: GH-LCR (growth hormone locus control region; plus strand), SCN4A (sodium voltage-gated channel alpha subunit 4; minus strand). Cytogenetic location: 17q23.3.
Variant type: single nucleotide variant.
Coding change: c.3986A>G on transcript NM_000334.4 (MANE Select); coding-DNA position 3986, A replaced by G.
Protein change: p.Lys1329Arg; replaces lysine 1329 with arginine.
Molecular consequence: missense variant.
Genome position (GRCh38, 1-based): chr17:63,943,777, T>C on the plus strand (A>G on the coding strand, the complement: SCN4A is on the minus strand). VCF-style: chr17-63943777-T-C. GRCh37 (hg19) VCF-style: chr17-62021137-T-C.
Other names: short protein forms K1329R.
Identifiers: ClinVar variation 2055290 (VCV002055290.5), dbSNP rs754942929, ClinGen allele CA8709096.